The following is an entry in ClinVar:

NM_002354.3(EPCAM):c.38T>C (p.Leu13Pro)

Gene: EPCAM (epithelial cell adhesion molecule; plus strand). Cytogenetic location: 2p21.
Variant type: single nucleotide variant.
Coding change: c.38T>C on transcript NM_002354.3 (MANE Select); coding-DNA position 38, T replaced by C.
Protein change: p.Leu13Pro; replaces leucine 13 with proline.
Molecular consequence: missense variant.
Genome position (GRCh38, 1-based): chr2:47,369,543, T>C. VCF-style: chr2-47369543-T-C. GRCh37 (hg19) VCF-style: chr2-47596682-T-C.
Other names: c.38T>C (NM_002354.2); short protein forms L13P.
Identifiers: ClinVar variation 801668 (VCV000801668.4), dbSNP rs776646187, ClinGen allele CA1648809.

ClinVar aggregate classification (germline): Uncertain significance. Review status: criteria provided, multiple submitters, no conflicts (2 of 4 stars). 2 submissions from 2 submitters: Uncertain significance (2). Last evaluated 2025-11-11.

Conditions:
Congenital diarrhea 5 with tufting enteropathy. Also called: INTESTINAL EPITHELIAL CELL DYSPLASIA; Congenital tufting enteropathy. Identifiers: Orphanet 92050, MedGen C2750737, MONDO:0013184, OMIM 613217.
Hereditary cancer-predisposing syndrome. Also called: Tumor predisposition; Neoplastic Syndromes, Hereditary; Hereditary Cancer Syndrome; Hereditary neoplastic syndrome. Identifiers: Orphanet 140162, MedGen C0027672, MeSH D009386, MONDO:0015356.

Allele frequency attached by ClinVar (database versions not stated): gnomAD exomes below 0.00001 and 0.00002; ExAC 0.00006.
gnomAD v4.1: 2 of 1,585,028 alleles (0.00013%); highest among the groups gnomAD compares: Non-Finnish European, 0.00017%; no homozygotes.

Submissions (2):

Ambry Genetics
Classification: Uncertain significance for Hereditary cancer-predisposing syndrome. Last evaluated: 2025-11-11. Review status: criteria provided, single submitter. Criteria: Ambry Variant Classification Scheme 2023. Collection method: clinical testing. Allele origin: germline.
Comment: The p.L13P variant (also known as c.38T>C), located in coding exon 1 of the EPCAM gene, results from a T to C substitution at nucleotide position 38. The leucine at codon 13 is replaced by proline, an amino acid with similar properties. This amino acid position is conserved. In addition, the in silico prediction for this alteration is inconclusive. Since supporting evidence is limited at this time, the clinical significance of this alteration remains unclear.

Mendelics
Classification: Uncertain significance for Congenital diarrhea 5 with tufting enteropathy. Last evaluated: 2019-05-28. Review status: criteria provided, single submitter. Criteria: Mendelics Assertion Criteria 2017. Collection method: clinical testing. Allele origin: unknown.